The following is an entry in ClinVar:

NM_001082486.2(ACD):c.1259C>G (p.Pro420Arg)

Gene: ACD (ACD shelterin complex subunit and telomerase recruitment factor; minus strand). Cytogenetic location: 16q22.1.
Variant type: single nucleotide variant.
Coding change: c.1259C>G on transcript NM_001082486.2 (MANE Select); coding-DNA position 1259, C replaced by G.
Protein change: p.Pro420Arg; replaces proline 420 with arginine.
Molecular consequence: missense variant.
Genome position (GRCh38, 1-based): chr16:67,657,801, G>C on the plus strand (C>G on the coding strand, the complement: ACD is on the minus strand). VCF-style: chr16-67657801-G-C. GRCh37 (hg19) VCF-style: chr16-67691704-G-C.
Other names: c.1172C>G, p.Pro391Arg (NM_001410884.1); c.1250C>G, p.Pro417Arg (NM_022914.3); short protein forms P391R, P417R, P420R.
Identifiers: ClinVar variation 1774336 (VCV001774336.8), dbSNP rs750023370, ClinGen allele CA8114387.

ClinVar aggregate classification (germline): Uncertain significance. Review status: criteria provided, multiple submitters, no conflicts (2 of 4 stars). 2 submissions from 2 submitters: Uncertain significance (2). Last evaluated 2025-04-29.

Conditions:
Dyskeratosis congenita, autosomal dominant 6 (DKCA6). Identifiers: Orphanet 3322, MedGen C4225284, MONDO:0014690, OMIM 616553.
Inborn genetic diseases. Identifiers: MedGen C0950123, MeSH D030342.

gnomAD v4.1: 16 of 1,614,116 alleles (0.00099%); highest among the groups gnomAD compares: Middle Eastern, 0.016%; no homozygotes.

Submissions (2):

Labcorp Genetics (formerly Invitae), Labcorp
Classification: Uncertain significance for Dyskeratosis congenita, autosomal dominant 6. Last evaluated: 2025-04-29. Review status: criteria provided, single submitter. Criteria: Invitae Variant Classification Sherloc (09022015). Collection method: clinical testing. Allele origin: germline.
Comment: This sequence change replaces proline, which is neutral and non-polar, with arginine, which is basic and polar, at codon 506 of the ACD protein (p.Pro506Arg). This variant is present in population databases (rs750023370, gnomAD 0.002%). This variant has not been reported in the literature in individuals affected with ACD-related conditions. ClinVar contains an entry for this variant (Variation ID: 1774336). Invitae Evidence Modeling of protein sequence and biophysical properties (such as structural, functional, and spatial information, amino acid conservation, physicochemical variation, residue mobility, and thermodynamic stability) indicates that this missense variant is expected to disrupt ACD protein function with a positive predictive value of 80%. In summary, the available evidence is currently insufficient to determine the role of this variant in disease. Therefore, it has been classified as a Variant of Uncertain Significance.

Ambry Genetics
Classification: Uncertain significance for Inborn genetic diseases. Last evaluated: 2024-11-25. Review status: criteria provided, single submitter. Criteria: Ambry Variant Classification Scheme 2023. Collection method: clinical testing. Allele origin: germline.